The following is an entry in ClinVar:

NM_015909.4(NBAS):c.2423+405G>T

Gene: NBAS (NBAS subunit of NRZ tethering complex; minus strand). Cytogenetic location: 2p24.3.
Variant type: single nucleotide variant.
Coding change: c.2423+405G>T on transcript NM_015909.4 (MANE Select); 405 bases into the intron after coding-DNA position 2423, G replaced by T.
Molecular consequence: intron variant.
Genome position (GRCh38, 1-based): chr2:15,427,306, C>A on the plus strand (G>T on the coding strand, the complement: NBAS is on the minus strand). VCF-style: chr2-15427306-C-A. GRCh37 (hg19) VCF-style: chr2-15567430-C-A.
Identifiers: ClinVar variation 4989992 (VCV004989992.1).

ClinVar aggregate classification (germline): Likely benign (1 of 4 stars; one submission).

Conditions:
NBAS-related disorder. Also called: NBAS-related condition.

gnomAD v4.1: 1 of 152,064 alleles (0.00066%); highest among the groups gnomAD compares: Non-Finnish European, 0.0015%; no homozygotes.

Submission:

PreventionGenetics, part of Exact Sciences
Classification: Likely benign for NBAS-related condition. Last evaluated: 2026-06-02. Review status: criteria provided, single submitter. Criteria: ACMG Guidelines, 2015. Collection method: clinical testing. Allele origin: germline.
Comment: This variant is classified as likely benign based on ACMG/AMP sequence variant interpretation guidelines (Richards et al. 2015 PMID: 25741868, with internal and published modifications).